The following continues an entry in ClinVar:

NM_000059.4(BRCA2):c.8169T>A (p.Asp2723Glu)

Gene: BRCA2. ClinVar aggregate classification (germline): Conflicting classifications of pathogenicity. Pathogenic (1); Likely pathogenic (6); Uncertain significance (1).

Submission 8 of 8:

Color Diagnostics, LLC DBA Color Health
Classification: Uncertain significance for Hereditary cancer-predisposing syndrome. Last evaluated: 2022-07-20. Review status: criteria provided, single submitter. Criteria: ACMG Guidelines, 2015. Collection method: clinical testing. Allele origin: germline.
Comment: This missense variant replaces aspartic acid with glutamic acid at codon 2723 of the BRCA2 protein. Computational prediction suggests that this variant may have deleterious impact on protein structure and function (internally defined REVEL score threshold >= 0.7, PMID: 27666373). Functional studies have reported low relative viability after treatment with PARP inhibitors in BRCA2-null cells expressing this variant (PMID: 32444794). This variant has been reported in individuals affected with breast or prostate cancer, and in 1 unaffected individual (PMID: 31948886, 33471991; Leiden Open Variation Database DB-ID BRCA2_000804). Different variants affecting the same codon, c.8167G>A (p.Asp2723Asn), c.8167G>C (p.Asp2723His), c.8168A>T (p.Asp2723Val), and c.8168A>G (p.Asp2723Gly) are considered to be disease-causing (ClinVar variation ID: 485412, 52515, 140975, 38141, 52516), suggesting that Asp at this position is important for the protein function. This variant has been identified in 1/251114 chromosomes in the general population by the Genome Aggregation Database (gnomAD). The available evidence is insufficient to determine the role of this variant in disease conclusively. Therefore, this variant is classified as a Variant of Uncertain Significance.

Literature cited by the submitters: PubMed 31948886 (cited by 6 submitters); PubMed 37713444 (cited by Labcorp Genetics (formerly Invitae), Labcorp and Women's Health and Genetics/Laboratory Corporation of America, LabCorp); PubMed 11207042 (cited by Labcorp Genetics (formerly Invitae), Labcorp); PubMed 15290653 (cited by Labcorp Genetics (formerly Invitae), Labcorp and GeneKor MSA); PubMed 16489001 (cited by Labcorp Genetics (formerly Invitae), Labcorp and GeneKor MSA); PubMed 23961350 (cited by Labcorp Genetics (formerly Invitae), Labcorp); PubMed 24728189 (cited by Labcorp Genetics (formerly Invitae), Labcorp); PubMed 25452441 (cited by Labcorp Genetics (formerly Invitae), Labcorp); PubMed 33471991 (cited by Quest Diagnostics Nichols Institute San Juan Capistrano and Color Diagnostics, LLC DBA Color Health); PubMed 39779848 (cited by Quest Diagnostics Nichols Institute San Juan Capistrano); PubMed 32444794 (cited by 4 submitters); PubMed 39779857 (cited by Quest Diagnostics Nichols Institute San Juan Capistrano); PubMed 29884841 (cited by Ambry Genetics); PubMed 20215541 (cited by GeneKor MSA); PubMed 27886673 (cited by GeneKor MSA); PubMed 20513136 (cited by GeneKor MSA); PubMed 15695382 (cited by GeneKor MSA); PubMed 18607349 (cited by GeneKor MSA); PubMed 24013206 (cited by GeneKor MSA).